The following is an entry in ClinVar:

ClinVar aggregate classification (germline): Uncertain significance. Review status: criteria provided, multiple submitters, no conflicts (2 of 4 stars). 2 submissions from 2 submitters: Uncertain significance (2). Last evaluated 2023-06-07.

Conditions:
JMJD1C-related disorder. Also called: JMJD1C-related condition.
Early Myoclonic Encephalopathy. Identifiers: MedGen C0270855.

Allele frequency attached by ClinVar (database versions not stated): gnomAD exomes below 0.00001; TOPMed below 0.00001.
gnomAD v4.1: 2 of 1,614,180 alleles (0.00012%); highest among the groups gnomAD compares: East Asian, 0.0022%; no homozygotes.

Submissions (2):

PreventionGenetics, part of Exact Sciences
Classification: Uncertain significance for JMJD1C-related condition. Last evaluated: 2023-06-07. Review status: criteria provided, single submitter. Criteria: ACMG Guidelines, 2015. Collection method: clinical testing. Allele origin: germline.
Comment: The JMJD1C c.4079A>T variant is predicted to result in the amino acid substitution p.Asn1360Ile. To our knowledge, this variant has not been reported in the literature or in a large population database, indicating this variant is rare. At this time, the clinical significance of this variant is uncertain due to the absence of conclusive functional and genetic evidence.

Labcorp Genetics (formerly Invitae), Labcorp
Classification: Uncertain significance for Early Myoclonic Encephalopathy. Last evaluated: 2022-12-28. Review status: criteria provided, single submitter. Criteria: Invitae Variant Classification Sherloc (09022015). Collection method: clinical testing. Allele origin: germline.
Comment: In summary, the available evidence is currently insufficient to determine the role of this variant in disease. Therefore, it has been classified as a Variant of Uncertain Significance. Advanced modeling of protein sequence and biophysical properties (such as structural, functional, and spatial information, amino acid conservation, physicochemical variation, residue mobility, and thermodynamic stability) performed at Invitae indicates that this missense variant is expected to disrupt JMJD1C protein function. ClinVar contains an entry for this variant (Variation ID: 646992). This variant has not been reported in the literature in individuals affected with JMJD1C-related conditions. This variant is not present in population databases (gnomAD no frequency). This sequence change replaces asparagine, which is neutral and polar, with isoleucine, which is neutral and non-polar, at codon 1360 of the JMJD1C protein (p.Asn1360Ile).

NM_032776.3(JMJD1C):c.4079A>T (p.Asn1360Ile)

Gene: JMJD1C (jumonji domain containing 1C; minus strand). Cytogenetic location: 10q21.3.
Variant type: single nucleotide variant.
Coding change: c.4079A>T on transcript NM_032776.3 (MANE Select); coding-DNA position 4079, A replaced by T.
Protein change: p.Asn1360Ile; replaces asparagine 1360 with isoleucine.
Molecular consequence: missense variant. On other transcripts: non-coding transcript variant (1).
Genome position (GRCh38, 1-based): chr10:63,207,590, T>A on the plus strand (A>T on the coding strand, the complement: JMJD1C is on the minus strand). VCF-style: chr10-63207590-T-A. GRCh37 (hg19) VCF-style: chr10-64967350-T-A.
Other names: c.3533A>T, p.Asn1178Ile (NM_001282948.2, NM_001318154.2); c.3215A>T, p.Asn1072Ile (NM_001318153.2); c.3965A>T, p.Asn1322Ile (NM_001322252.2); c.3422A>T, p.Asn1141Ile (NM_001322254.2, NM_001322258.2); short protein forms N1072I, N1322I, N1178I, N1141I, N1360I.
Identifiers: ClinVar variation 646992 (VCV000646992.9), dbSNP rs1589148092, ClinGen allele CA377038636.